The following is an entry in ClinVar:

NM_007118.4(TRIO):c.4982C>T (p.Thr1661Ile)

Gene: TRIO (trio Rho guanine nucleotide exchange factor; plus strand). Cytogenetic location: 5p15.2.
Variant type: single nucleotide variant.
Coding change: c.4982C>T on transcript NM_007118.4 (MANE Select); coding-DNA position 4982, C replaced by T.
Protein change: p.Thr1661Ile; replaces threonine 1661 with isoleucine.
Molecular consequence: missense variant. On other transcripts: non-coding transcript variant (1).
Genome position (GRCh38, 1-based): chr5:14,419,800, C>T. VCF-style: chr5-14419800-C-T. GRCh37 (hg19) VCF-style: chr5-14419909-C-T.
Other names: short protein forms T1661I.
Identifiers: ClinVar variation 5002861 (VCV005002861.1).

ClinVar aggregate classification (germline): Uncertain significance (1 of 4 stars; one submission).

Conditions:
Intellectual developmental disorder, autosomal dominant 63, with macrocephaly. Also called: MENTAL RETARDATION, AUTOSOMAL DOMINANT 63, WITH MACROCEPHALY. Identifiers: MedGen C5394205, MONDO:0032939, OMIM 618825.

Submission:

OLLIN Analises Genomicas, OLLIN
Classification: Uncertain significance for Intellectual developmental disorder, autosomal dominant 63, with macrocephaly. Last evaluated: 2026-08-06. Review status: criteria provided, single submitter. Criteria: ACMG Guidelines 2015 PMID 25741868. Collection method: clinical testing. Allele origin: germline. Inheritance: Autosomal dominant inheritance.
Comment: This missense variant, located in exon 34 (of 57), is absent from gnomAD and ClinVar and has not been identified in the literature. In silico analysis is inconclusive regarding the impact of this variant. This gene is constrained for missense variation. According to the currently available evidence, this variant has been classified as uncertain significance (PM2_P, PP2).